The following is an entry in ClinVar:

ClinVar aggregate classification (germline): Uncertain significance. Review status: criteria provided, multiple submitters, no conflicts (2 of 4 stars). 3 submissions from 3 submitters: Uncertain significance (3). Last evaluated 2026-01-21.

Conditions:
Hermansky-Pudlak syndrome 9 (HPS9). Identifiers: Orphanet 280663, Orphanet 79430, MedGen C3280026, MONDO:0013606, OMIM 614171.
Inborn genetic diseases. Identifiers: MedGen C0950123, MeSH D030342.

Allele frequency attached by ClinVar (database versions not stated): gnomAD exomes below 0.00001; gnomAD 0.00004 and 0.00005; TOPMed 0.00005.
gnomAD v4.1: 10 of 1,585,462 alleles (0.00063%); highest among the groups gnomAD compares: Admixed American, 0.0089%; no homozygotes.

Submissions (3):

Ambry Genetics
Classification: Uncertain significance for Inborn genetic diseases. Last evaluated: 2026-01-21. Review status: criteria provided, single submitter. Criteria: Ambry Variant Classification Scheme 2023. Collection method: clinical testing. Allele origin: germline.

Labcorp Genetics (formerly Invitae), Labcorp
Classification: Uncertain significance for Hermansky-Pudlak syndrome 9. Last evaluated: 2022-07-18. Review status: criteria provided, single submitter. Criteria: Invitae Variant Classification Sherloc (09022015). Collection method: clinical testing. Allele origin: germline.
Comment: This sequence change replaces proline, which is neutral and non-polar, with leucine, which is neutral and non-polar, at codon 16 of the BLOC1S6 protein (p.Pro16Leu). This variant is not present in population databases (gnomAD no frequency). This variant has not been reported in the literature in individuals affected with BLOC1S6-related conditions. ClinVar contains an entry for this variant (Variation ID: 1042331). Algorithms developed to predict the effect of missense changes on protein structure and function output the following: SIFT: "Tolerated"; PolyPhen-2: "Benign"; Align-GVGD: "Class C0". The leucine amino acid residue is found in multiple mammalian species, which suggests that this missense change does not adversely affect protein function. In summary, the available evidence is currently insufficient to determine the role of this variant in disease. Therefore, it has been classified as a Variant of Uncertain Significance.

New York Genome Center
Classification: Uncertain significance for Hermansky-Pudlak syndrome 9. Last evaluated: 2021-03-12. Review status: criteria provided, single submitter. Criteria: NYGC Assertion Criteria 2020. Collection method: clinical testing. Allele origin: inherited. Observed: 1 heterozygote. Study: CSER-NYCKidSeq.

NM_012388.4(BLOC1S6):c.47C>T (p.Pro16Leu)

Gene: BLOC1S6 (biogenesis of lysosomal organelles complex 1 subunit 6; plus strand). Cytogenetic location: 15q21.1.
Variant type: single nucleotide variant.
Coding change: c.47C>T on transcript NM_012388.4 (MANE Select); coding-DNA position 47, C replaced by T.
Protein change: p.Pro16Leu; replaces proline 16 with leucine.
Molecular consequence: missense variant. On other transcripts: non-coding transcript variant (5).
Genome position (GRCh38, 1-based): chr15:45,587,490, C>T. VCF-style: chr15-45587490-C-T. GRCh37 (hg19) VCF-style: chr15-45879688-C-T.
Other names: c.47C>T (NM_012388.2); short protein forms P16L.
Identifiers: ClinVar variation 1042331 (VCV001042331.9), dbSNP rs1042113102, ClinGen allele CA270011451.